The following is an entry in ClinVar:

ClinVar aggregate classification (germline): Conflicting classifications of pathogenicity. Review status: criteria provided, conflicting classifications (1 of 4 stars). 6 submissions from 6 submitters: Uncertain significance (2); Benign (2); Likely benign (2). Last evaluated 2026-01-12.

Conditions:
Dilated cardiomyopathy 1O (CMD1O). Also called: CARDIOMYOPATHY, DILATED, WITH VENTRICULAR TACHYCARDIA. Identifiers: Orphanet 154, MedGen C1837839, MONDO:0012062, OMIM 608569.

Allele frequency attached by ClinVar (database versions not stated): gnomAD exomes 0.00004 and 0.00015; ExAC 0.00019; ESP Exome Variant Server 0.00031; gnomAD 0.00056 and 0.00062; 1000 Genomes Project 0.00060; 1000 Genomes Project 30x 0.00062; TOPMed 0.00062.
gnomAD v4.1: 151 of 1,567,680 alleles (0.0096%); highest among the groups gnomAD compares: African/African-American, 0.18%; no homozygotes.

Submissions (6):

Labcorp Genetics (formerly Invitae), Labcorp
Classification: Benign for Dilated cardiomyopathy 1O. Last evaluated: 2026-01-12. Review status: criteria provided, single submitter. Criteria: Invitae Variant Classification Sherloc (09022015). Collection method: clinical testing. Allele origin: germline.

Women's Health and Genetics/Laboratory Corporation of America, LabCorp
Classification: Benign. Last evaluated: 2024-12-06. Review status: criteria provided, single submitter. Criteria: LabCorp Variant Classification Summary - May 2015. Collection method: clinical testing. Allele origin: germline.

Blueprint Genetics
Classification: Likely benign. Last evaluated: 2023-04-26. Review status: criteria provided, single submitter. Criteria: ACMG Guidelines, 2015. Collection method: clinical testing. Allele origin: germline.

GeneDx
Classification: Likely benign. Last evaluated: 2020-10-05. Review status: criteria provided, single submitter. Criteria: GeneDx Variant Classification Process June 2021. Collection method: clinical testing. Allele origin: germline. Affected: yes.

Stanford Center for Inherited Cardiovascular Disease, Stanford University
Classification: Uncertain significance. Last evaluated: 2017-09-05. Review status: criteria provided, single submitter. Criteria: ACMG Guidelines, 2015. Collection method: provider interpretation. Allele origin: germline.

Laboratory for Molecular Medicine, Mass General Brigham Personalized Medicine
Classification: Uncertain significance. Last evaluated: 2017-08-10. Review status: criteria provided, single submitter. Criteria: LMM Criteria. Collection method: clinical testing. Allele origin: germline. Observed: 2 variant alleles.
Comment: Variant classified as Uncertain Significance - Favor Benign. It has also been identified in 0.2% (22/10238) of African ch romosomes by the Genome Aggregation Database (gnomAD; dbSNP rs201226082). This variant has been reported in ClinVar (Variation ID: 228423). Computational tools do not suggest an impact on splicing, though t his information is not predictive enough to rule out pathogenicity. In summary, while the clinical significance of the c.2199-13G>A variant is uncertain, its fr equency suggests that it is more likely to be benign.

NM_020297.4(ABCC9):c.2199-13G>A

Gene: ABCC9 (ATP binding cassette subfamily C member 9; minus strand). Cytogenetic location: 12p12.1.
Variant type: single nucleotide variant.
Coding change: c.2199-13G>A on transcript NM_020297.4 (MANE Select); 13 bases into the intron before coding-DNA position 2199, G replaced by A.
Molecular consequence: intron variant.
Genome position (GRCh38, 1-based): chr12:21,864,490, C>T on the plus strand (G>A on the coding strand, the complement: ABCC9 is on the minus strand). VCF-style: chr12-21864490-C-T. GRCh37 (hg19) VCF-style: chr12-22017424-C-T.
Other names: c.1335-13G>A (NM_001377274.1); c.2199-13G>A (NM_005691.4, NM_001377273.1).
Identifiers: ClinVar variation 228423 (VCV000228423.17), dbSNP rs201226082, ClinGen allele CA6481463.
Genomic context (GRCh38, chr12:21,864,490, plus strand): 5'-AAATAATACCTTCTGGTTGCTTCAAAAGAAGGCTCAGATTCATTTACACTGCAAGTATGG[C>T]AAACAATGTTCATTAATTATGAAGTAGAAATATAGAACCAATGTGCATACACGTCAGGTA-3'